The following is an entry in ClinVar:

ClinVar aggregate classification (germline): Benign (1 of 4 stars; one submission).

gnomAD v4.1: 42 of 175,290 alleles (0.024%); highest among the groups gnomAD compares: Admixed American, 0.044%; no homozygotes.

Submission:

CeGaT Center for Human Genetics Tuebingen
Classification: Benign. Last evaluated: 2025-08-01. Review status: criteria provided, single submitter. Criteria: CeGaT Center For Human Genetics Tuebingen Variant Classification Criteria Version 2. Collection method: clinical testing. Allele origin: germline. Affected: yes. Observed: 1 variant allele.
Comment: BRAF: BS1, BS2

NM_004333.6(BRAF):c.980+1358G>A

Gene: BRAF (B-Raf proto-oncogene, serine/threonine kinase; minus strand). Cytogenetic location: 7q34.
Variant type: single nucleotide variant.
Coding change: c.980+1358G>A on transcript NM_004333.6 (MANE Select); 1358 bases into the intron after coding-DNA position 980, G replaced by A.
Molecular consequence: intron variant.
Genome position (GRCh38, 1-based): chr7:140,799,004, C>T on the plus strand (G>A on the coding strand, the complement: BRAF is on the minus strand). VCF-style: chr7-140799004-C-T. GRCh37 (hg19) VCF-style: chr7-140498804-C-T.
Other names: c.980+1358G>A (NM_001378474.1, NM_001378471.1, NM_001378468.1 and 4 more transcripts); c.878+1358G>A (NM_001378470.1); c.716+1358G>A (NM_001378475.1); c.989+1358G>A (NM_001378467.1); c.824+1358G>A (NM_001378472.1, NM_001378473.1).
Identifiers: ClinVar variation 4084611 (VCV004084611.8).
Genomic context (GRCh38, chr7:140,799,004, plus strand): 5'-CAAGTGATTCTCCTGCCTCAGCCTCCTGAGTAGCTGGGATTACAGGTGTGTGCCATCATG[C>T]CCAGCTAATTTTTTTTTTTTTGTATCTTTAGTAGAGACAGGGTTTCACCATGTTGGCCAG-3'